The following is an entry in ClinVar:

NM_000260.4(MYO7A):c.1217T>C (p.Leu406Pro)

Gene: MYO7A (myosin VIIA; plus strand). Cytogenetic location: 11q13.5.
Variant type: single nucleotide variant.
Coding change: c.1217T>C on transcript NM_000260.4 (MANE Select); coding-DNA position 1217, T replaced by C.
Protein change: p.Leu406Pro; replaces leucine 406 with proline.
Molecular consequence: missense variant.
Genome position (GRCh38, 1-based): chr11:77,160,989, T>C. VCF-style: chr11-77160989-T-C. GRCh37 (hg19) VCF-style: chr11-76872035-T-C.
Other names: c.1217T>C, p.Leu406Pro (NM_001127180.2); c.1184T>C, p.Leu395Pro (NM_001369365.1); short protein forms L395P, L406P.
Identifiers: ClinVar variation 2070870 (VCV002070870.4), dbSNP rs2496843802, ClinGen allele CA381934847.

ClinVar aggregate classification (germline): Likely pathogenic (1 of 4 stars; one submission).

Submission:

Labcorp Genetics (formerly Invitae), Labcorp
Classification: Likely pathogenic. Last evaluated: 2024-02-23. Review status: criteria provided, single submitter. Criteria: Invitae Variant Classification Sherloc (09022015). Collection method: clinical testing. Allele origin: germline.
Comment: This sequence change replaces leucine, which is neutral and non-polar, with proline, which is neutral and non-polar, at codon 406 of the MYO7A protein (p.Leu406Pro). This variant is not present in population databases (gnomAD no frequency). This missense change has been observed in individual(s) with Usher syndrome (Invitae). ClinVar contains an entry for this variant (Variation ID: 2070870). Advanced modeling of protein sequence and biophysical properties (such as structural, functional, and spatial information, amino acid conservation, physicochemical variation, residue mobility, and thermodynamic stability) performed at Invitae indicates that this missense variant is expected to disrupt MYO7A protein function with a positive predictive value of 95%. In summary, the currently available evidence indicates that the variant is pathogenic, but additional data are needed to prove that conclusively. Therefore, this variant has been classified as Likely Pathogenic.